The following is an entry in ClinVar:

NM_025081.3(NYNRIN):c.988G>A (p.Asp330Asn)

Gene: NYNRIN (NYN domain and retroviral integrase containing; plus strand). Cytogenetic location: 14q12.
Variant type: single nucleotide variant.
Coding change: c.988G>A on transcript NM_025081.3 (MANE Select); coding-DNA position 988, G replaced by A.
Protein change: p.Asp330Asn; replaces aspartic acid 330 with asparagine.
Molecular consequence: missense variant.
Genome position (GRCh38, 1-based): chr14:24,408,782, G>A. VCF-style: chr14-24408782-G-A. GRCh37 (hg19) VCF-style: chr14-24877988-G-A.
Other names: short protein forms D330N.
Identifiers: ClinVar variation 4722136 (VCV004722136.1).

ClinVar aggregate classification (germline): Uncertain significance (1 of 4 stars; one submission).

gnomAD v4.1: 1 of 1,614,044 alleles (0.000062%); highest among the groups gnomAD compares: Admixed American, 0.0017%; no homozygotes.

Submission:

Labcorp Genetics (formerly Invitae), Labcorp
Classification: Uncertain significance. Last evaluated: 2025-06-25. Review status: criteria provided, single submitter. Criteria: Invitae Variant Classification Sherloc (09022015). Collection method: clinical testing. Allele origin: germline.
Comment: This sequence change replaces aspartic acid, which is acidic and polar, with asparagine, which is neutral and polar, at codon 330 of the NYNRIN protein (p.Asp330Asn). This variant is not present in population databases (gnomAD no frequency). This variant has not been reported in the literature in individuals affected with NYNRIN-related conditions. An algorithm developed to predict the effect of missense changes on protein structure and function outputs the following: PolyPhen-2: "Not Available". The asparagine amino acid residue is found in multiple mammalian species, which suggests that this missense change does not adversely affect protein function. In summary, the available evidence is currently insufficient to determine the role of this variant in disease. Therefore, it has been classified as a Variant of Uncertain Significance.